The following is an entry in ClinVar:

ClinVar aggregate classification (germline): Conflicting classifications of pathogenicity. Review status: criteria provided, conflicting classifications (1 of 4 stars). 2 submissions from 2 submitters: Pathogenic (1); Uncertain significance (1). Last evaluated 2025-11-27.

Conditions:
RNU2-2 related neurodevelopmental disorder, autosomal recessive.
RNU2-2 related disorder.

gnomAD v4.1: 3 of 152,356 alleles (0.002%); highest among the groups gnomAD compares: African/African-American, 0.0048%; no homozygotes.

Submissions (2):

Institute for Human Genetics, University Hospital Essen
Classification: Pathogenic for RNU2-2 related disorder. Last evaluated: 2025-11-27. Review status: criteria provided, single submitter. Criteria: Submitter's publication. Collection method: clinical testing. Allele origin: inherited. Inheritance: Autosomal recessive inheritance. Affected: yes. Observed: 3 variant alleles, 2 compound heterozygotes, 1 homozygote.
Comment: PS4, PM1, PM2_supp, PM3, PP1_mod (criteria rationale detailed in Leitão et al. Nature Genetics 2026)

Undiagnosed Diseases Network, NIH
Classification: Uncertain significance for RNU2-2 related neurodevelopmental disorder, autosomal recessive. Last evaluated: 2025-09-24. Review status: criteria provided, single submitter. Criteria: ACMG Guidelines, 2015. Collection method: clinical testing. Allele origin: de novo. Affected: yes. Observed: 1 variant allele, 1 compound heterozygote. Study: Undiagnosed Diseases Network (NIH), UDN.
Comment: This variant has been identified in 0.00079% (3/152356) of chromosomes by the Genome Aggregation Database (gnomAD; dbSNP rs913449644). Although this variant has been seen in the general population in a heterozygous state, its frequency is low enough to be consistent with a recessive carrier frequency. This variant has not been previously reported in ClinVar. The ribonucleotide substitution predicted from n.104T>C likely disrupts the interaction between U2 and the Sm ring component small nuclear ribonucleoprotein D2 which in turn links to the SF3a complex via SF3A3 (PMID:31744343). Since the SF3a complex contributes to the prevention of premature catalytic activation (PMID:20089683) n.104T>C potentially results in splicing dysregulation.

NR_199791.1(RNU2-2):n.104T>C

Genes: RNU2-2 (RNA, U2 small nuclear 2; minus strand), WDR74 (WD repeat domain 74; minus strand). Cytogenetic location: 11q12.3.
Variant type: single nucleotide variant.
Molecular consequence: non-coding transcript variant (on NR_199791.1). On other transcripts: 5 prime UTR variant (1).
Genome position: GRCh38 VCF-style: chr11-62841706-A-G. GRCh37 (hg19) VCF-style: chr11-62609178-A-G.
Other names: c.-435T>C (NM_001369451.1).
Identifiers: ClinVar variation 4532801 (VCV004532801.2).